The following is an entry in ClinVar:

NM_001365276.2(TNXB):c.12037G>A (p.Val4013Met)

Genes: TNXB (tenascin XB; minus strand), LOC106780803 (tenascin XB recombination region; plus strand). Cytogenetic location: 6p21.33.
Variant type: single nucleotide variant.
Coding change: c.12037G>A on transcript NM_001365276.2 (MANE Select); coding-DNA position 12037, G replaced by A.
Protein change: p.Val4013Met; replaces valine 4013 with methionine.
Molecular consequence: missense variant.
Genome position (GRCh38, 1-based): chr6:32,042,720, C>T on the plus strand (G>A on the coding strand, the complement: TNXB is on the minus strand). VCF-style: chr6-32042720-C-T. GRCh37 (hg19) VCF-style: chr6-32010497-C-T.
Other names: c.12778G>A, p.Val4260Met (NM_001428335.1); c.12031G>A, p.Val4011Met (NM_019105.8); c.1324G>A, p.Val442Met (NM_032470.4); short protein forms V4011M, V4013M, V4260M, V442M.
Identifiers: ClinVar variation 4821760 (VCV004821760.4).

ClinVar aggregate classification (germline): Uncertain significance (1 of 4 stars; one submission).

gnomAD v4.1: 43 of 1,023,970 alleles (0.0042%); highest among the groups gnomAD compares: South Asian, 0.018%; no homozygotes.

Submission:

CeGaT Center for Human Genetics Tuebingen
Classification: Uncertain significance. Last evaluated: 2026-03-01. Review status: criteria provided, single submitter. Criteria: CeGaT Center For Human Genetics Tuebingen Variant Classification Criteria Version 2. Collection method: clinical testing. Allele origin: germline. Affected: yes. Observed: 1 variant allele.
Comment: TNXB: PM2, BP4